The following is an entry in ClinVar:

NM_000088.4(COL1A1):c.3614C>T (p.Pro1205Leu)

Gene: COL1A1 (collagen type I alpha 1 chain; minus strand). Cytogenetic location: 17q21.33.
Variant type: single nucleotide variant.
Coding change: c.3614C>T on transcript NM_000088.4 (MANE Select); coding-DNA position 3614, C replaced by T.
Protein change: p.Pro1205Leu; replaces proline 1205 with leucine.
Molecular consequence: missense variant.
Genome position (GRCh38, 1-based): chr17:50,186,840, G>A on the plus strand (C>T on the coding strand, the complement: COL1A1 is on the minus strand). VCF-style: chr17-50186840-G-A. GRCh37 (hg19) VCF-style: chr17-48264201-G-A.
Other names: short protein forms P1205L.
Identifiers: ClinVar variation 4869118 (VCV004869118.2).

ClinVar aggregate classification (germline): Uncertain significance. Review status: criteria provided, multiple submitters, no conflicts (2 of 4 stars). 2 submissions from 2 submitters: Uncertain significance (2). Last evaluated 2026-05-26.

Conditions:
Cardiovascular phenotype. Identifiers: MedGen CN230736.
COL1A1-related disorder. Also called: COL1A1-related condition; COL1A1- related disease.

gnomAD v4.1: 3 of 1,614,054 alleles (0.00019%); highest among the groups gnomAD compares: Non-Finnish European, 0.00025%; no homozygotes.

Submissions (2):

Ambry Genetics
Classification: Uncertain significance for Cardiovascular phenotype. Last evaluated: 2026-05-26. Review status: criteria provided, single submitter. Criteria: Ambry Variant Classification Scheme 2023. Collection method: clinical testing. Allele origin: germline.

PreventionGenetics, part of Exact Sciences
Classification: Uncertain significance for COL1A1-related condition. Last evaluated: 2025-12-21. Review status: criteria provided, single submitter. Criteria: ACMG Guidelines, 2015. Collection method: clinical testing. Allele origin: germline.
Comment: The COL1A1 c.3614C>T variant is predicted to result in the amino acid substitution p.Pro1205Leu. To our knowledge, this variant has not been reported in the literature or in a large population database (gnomAD), indicating this variant is rare. At this time, the clinical significance of this variant is uncertain due to the absence of conclusive functional and genetic evidence.